The following is an entry in ClinVar:

ClinVar aggregate classification (germline): Pathogenic. Review status: criteria provided, multiple submitters, no conflicts (2 of 4 stars). 2 submissions from 2 submitters: Pathogenic (2). Last evaluated 2021-01-28.

Conditions:
Gorlin syndrome. Also called: Nevoid Basal Cell Carcinoma Syndrome; Basal cell nevus syndrome. Identifiers: Orphanet 377, MedGen C0004779, MONDO:0007187.
Medulloblastoma (MDB). Also called: MEDULLOBLASTOMA PREDISPOSITION SYNDROME; Medulloblastoma, somatic. Identifiers: Orphanet 616, MedGen C0025149, MeSH D008527, MONDO:0007959, OMIM 155255, HP:0002885.
Hereditary cancer-predisposing syndrome. Also called: Neoplastic Syndromes, Hereditary; Hereditary Cancer Syndrome; Hereditary neoplastic syndrome; Tumor predisposition. Identifiers: Orphanet 140162, MedGen C0027672, MeSH D009386, MONDO:0015356.

Submissions (2):

Labcorp Genetics (formerly Invitae), Labcorp
Classification: Pathogenic for Gorlin syndrome; Medulloblastoma. Last evaluated: 2021-01-28. Review status: criteria provided, single submitter. Criteria: Invitae Variant Classification Sherloc (09022015). Collection method: clinical testing. Allele origin: germline.
Comment: For these reasons, this variant has been classified as Pathogenic. This variant has not been reported in the literature in individuals with SUFU-related conditions. ClinVar contains an entry for this variant (Variation ID: 827539). This variant is not present in population databases (ExAC no frequency). This sequence change creates a premature translational stop signal (p.Trp275*) in the SUFU gene. It is expected to result in an absent or disrupted protein product. Loss-of-function variants in SUFU are known to be pathogenic (PMID: 22508808, 25403219).

Ambry Genetics
Classification: Pathogenic for Hereditary cancer-predisposing syndrome. Last evaluated: 2018-12-20. Review status: criteria provided, single submitter. Criteria: Ambry Variant Classification Scheme 2023. Collection method: clinical testing. Allele origin: germline.
Comment: The p.W275* pathogenic mutation (also known as c.825G>A), located in coding exon 7 of the SUFU gene, results from a G to A substitution at nucleotide position 825. This changes the amino acid from a tryptophan to a stop codon within coding exon 7. This alteration is expected to result in loss of function by premature protein truncation or nonsense-mediated mRNA decay. As such, this alteration is interpreted as a disease-causing mutation.

Literature cited by the submitters: PubMed 22508808 (cited by Labcorp Genetics (formerly Invitae), Labcorp); PubMed 25403219 (cited by Labcorp Genetics (formerly Invitae), Labcorp).

NM_016169.4(SUFU):c.825G>A (p.Trp275Ter)

Gene: SUFU (SUFU negative regulator of hedgehog signaling; plus strand). Cytogenetic location: 10q24.32.
Variant type: single nucleotide variant.
Coding change: c.825G>A on transcript NM_016169.4 (MANE Select); coding-DNA position 825, G replaced by A.
Protein change: p.Trp275Ter; replaces tryptophan 275 with a stop codon.
Molecular consequence: nonsense.
Genome position (GRCh38, 1-based): chr10:102,597,208, G>A. VCF-style: chr10-102597208-G-A. GRCh37 (hg19) VCF-style: chr10-104356965-G-A.
Other names: c.825G>A, p.Trp275Ter (NM_001178133.2); short protein forms W275*.
Identifiers: ClinVar variation 827539 (VCV000827539.12), dbSNP rs1590065940, ClinGen allele CA377910492.